The following is an entry in ClinVar:

ClinVar aggregate classification (germline): Likely pathogenic (1 of 4 stars; one submission).

Conditions:
Primary ciliary dyskinesia 3. Identifiers: Orphanet 244, MedGen C1837618, MONDO:0012085, OMIM 608644.

gnomAD v4.1: 1 of 1,613,260 alleles (0.000062%); highest among the groups gnomAD compares: Non-Finnish European, 0.000085%; no homozygotes.

Submission:

Myriad Genetics, Inc.
Classification: Likely pathogenic for Primary ciliary dyskinesia 3. Last evaluated: 2026-06-25. Review status: criteria provided, single submitter. Criteria: Myriad Autosomal Dominant, Autosomal Recessive and X-Linked Classification Criteria (2023). Collection method: clinical testing. Allele origin: unknown.
Comment: NM_001369.2(DNAH5):c.11570+1G>A is a variant in a canonical splice site classified as likely pathogenic in the context of primary ciliary dyskinesia, DNAH5-related. c.11570+1G>A has not been observed in cases with relevant disease. Relevant functional assessments of this variant are not available in the literature. c.11570+1G>A has not been observed in referenced population frequency databases. In summary, NM_001369.2(DNAH5):c.11570+1G>A is a variant in a canonical splice site in a gene where loss of function is a known mechanism of disease and is predicted to disrupt protein function. Please note: this variant was assessed in the context of healthy population screening.

NM_001369.3(DNAH5):c.11570+1G>A

Gene: DNAH5 (dynein axonemal heavy chain 5; minus strand). Cytogenetic location: 5p15.2.
Variant type: single nucleotide variant.
Coding change: c.11570+1G>A on transcript NM_001369.3 (MANE Select); the canonical splice donor site of the intron after coding-DNA position 11570, G replaced by A.
Molecular consequence: splice donor variant.
Genome position (GRCh38, 1-based): chr5:13,735,817, C>T on the plus strand (G>A on the coding strand, the complement: DNAH5 is on the minus strand). VCF-style: chr5-13735817-C-T. GRCh37 (hg19) VCF-style: chr5-13735926-C-T.
Identifiers: ClinVar variation 5003746 (VCV005003746.1).